The following is an entry in ClinVar:

NM_001042413.2(GLIS3):c.2560G>C (p.Val854Leu)

Gene: GLIS3 (GLIS family zinc finger 3; minus strand). Cytogenetic location: 9p24.2.
Variant type: single nucleotide variant.
Coding change: c.2560G>C on transcript NM_001042413.2 (MANE Select); coding-DNA position 2560, G replaced by C.
Protein change: p.Val854Leu; replaces valine 854 with leucine.
Molecular consequence: missense variant.
Genome position (GRCh38, 1-based): chr9:3,829,406, C>G on the plus strand (G>C on the coding strand, the complement: GLIS3 is on the minus strand). VCF-style: chr9-3829406-C-G. GRCh37 (hg19) VCF-style: chr9-3829406-C-G.
Other names: c.2095G>C, p.Val699Leu (NM_152629.4); short protein forms V699L, V854L.
Identifiers: ClinVar variation 1700447 (VCV001700447.2), dbSNP rs779407555, ClinGen allele CA372804393.

ClinVar aggregate classification (germline): Uncertain significance (1 of 4 stars; one submission).

Allele frequency attached by ClinVar (database versions not stated): gnomAD 0.00001.
gnomAD v4.1: 3 of 1,614,004 alleles (0.00019%); highest among the groups gnomAD compares: Non-Finnish European, 0.00025%; no homozygotes.

Submission:

GeneDx
Classification: Uncertain significance. Last evaluated: 2022-02-08. Review status: criteria provided, single submitter. Criteria: GeneDx Variant Classification Process June 2021. Collection method: clinical testing. Allele origin: germline. Affected: yes.
Comment: Not observed at significant frequency in large population cohorts (gnomAD); In silico analysis supports that this missense variant does not alter protein structure/function; Has not been previously published as pathogenic or benign to our knowledge